The following is an entry in ClinVar:

ClinVar aggregate classification (germline): Uncertain significance (1 of 4 stars; one submission).

Conditions:
Primary ciliary dyskinesia. Also called: Ciliary dyskinesia. Identifiers: Orphanet 244, MedGen C0008780, MONDO:0016575, HP:0012265.

Submission:

Ambry Genetics
Classification: Uncertain significance for Primary ciliary dyskinesia. Last evaluated: 2022-10-03. Review status: criteria provided, single submitter. Criteria: Ambry Variant Classification Scheme 2023. Collection method: clinical testing. Allele origin: germline.
Comment: The p.I529N variant (also known as c.1586T>A), located in coding exon 14 of the RPGR gene, results from a T to A substitution at nucleotide position 1586. The isoleucine at codon 529 is replaced by asparagine, an amino acid with dissimilar properties. This amino acid position is conserved. In addition, this alteration is predicted to be tolerated by in silico analysis. Since supporting evidence is limited at this time, the clinical significance of this alteration remains unclear.

NM_001034853.2(RPGR):c.1586T>A (p.Ile529Asn)

Gene: RPGR (retinitis pigmentosa GTPase regulator; minus strand). Cytogenetic location: Xp11.4.
Variant type: single nucleotide variant.
Coding change: c.1586T>A on transcript NM_001034853.2 (MANE Select); coding-DNA position 1586, T replaced by A.
Protein change: p.Ile529Asn; replaces isoleucine 529 with asparagine.
Molecular consequence: missense variant. On other transcripts: non-coding transcript variant (1), intron variant (5).
Genome position (GRCh38, 1-based): chrX:38,288,028, A>T on the plus strand (T>A on the coding strand, the complement: RPGR is on the minus strand). VCF-style: chrX-38288028-A-T. GRCh37 (hg19) VCF-style: chrX-38147281-A-T.
Other names: c.1586T>A, p.Ile529Asn (NM_000328.3); c.1583T>A, p.Ile528Asn (NM_001367245.1); c.1400T>A, p.Ile467Asn (NM_001367246.1); c.1569+2931T>A (NM_001367249.1, NM_001367250.1); c.1386+2931T>A (NM_001367251.1); c.1572+2931T>A (NM_001367247.1); c.1602+2931T>A (NM_001367248.1); short protein forms I467N, I529N, I528N.
Identifiers: ClinVar variation 1775809 (VCV001775809.2), dbSNP rs2519799043, ClinGen allele CA412737511.
Genomic context (GRCh38, chrX:38,288,028, plus strand): 5'-TCTTCATATTCATCACTATCATCGTTTTCAGTAAGAGCTGTATCCTGCGTCAGTTCCCCA[A>T]TTGTTTGTTGTTTCTGTAAATTTTTTGAAGTAATTATCATATGTCATACTACTATTAGTT-3'
Protein context (NP_001030025.1, residues 519-539): PVQKQKKQQT[Ile529Asn]GELTQDTALT